The following is an entry in ClinVar:

ClinVar aggregate classification (germline): Uncertain significance. Review status: criteria provided, multiple submitters, no conflicts (2 of 4 stars). 3 submissions from 3 submitters: Uncertain significance (3). Last evaluated 2023-04-14.

Conditions:
Peroxisome biogenesis disorder 2B (PBD2B). Identifiers: Orphanet 44, MedGen C3550234, MONDO:0008736, OMIM 202370.

Allele frequency attached by ClinVar (database versions not stated): TOPMed below 0.00001; gnomAD 0.00001; gnomAD exomes 0.00001.
gnomAD v4.1: 17 of 1,614,052 alleles (0.0011%); highest among the groups gnomAD compares: East Asian, 0.0022%; no homozygotes.

Submissions (3):

Women's Health and Genetics/Laboratory Corporation of America, LabCorp
Classification: Uncertain significance. Last evaluated: 2023-04-14. Review status: criteria provided, single submitter. Criteria: LabCorp Variant Classification Summary - May 2015. Collection method: clinical testing. Allele origin: germline.
Comment: Variant summary: PEX5 c.1669C>T (p.Arg557Trp) results in a non-conservative amino acid change located in the TPR 7 repeat (UniProt) of the encoded protein sequence. Five of five in-silico tools predict a damaging effect of the variant on protein function. The variant allele was found at a frequency of 1.2e-05 in 251470 control chromosomes (gnomAD). The variant, c.1669C>T, has been reported in the literature in individuals affected with Zellweger Syndrome Spectrum disorder (Ebberink_2009, Pronicka_2016). These data indicate that the variant may be associated with disease. One of these publications also reported experimental evidence, demonstrating peroxisomal dysfunction and defects in peroxisomal protein targeting in a cell line derived from a homozygous patient (Ebberink_2009). Two clinical diagnostic laboratories have submitted clinical-significance assessments for this variant to ClinVar after 2014. All laboratories classified the variant as uncertain significance. Based on the evidence outlined above, the variant was classified as VUS-possibly pathogenic.

Labcorp Genetics (formerly Invitae), Labcorp
Classification: Uncertain significance for Peroxisome biogenesis disorder 2B. Last evaluated: 2022-11-01. Review status: criteria provided, single submitter. Criteria: Invitae Variant Classification Sherloc (09022015). Collection method: clinical testing. Allele origin: germline.
Comment: This sequence change replaces arginine, which is basic and polar, with tryptophan, which is neutral and slightly polar, at codon 557 of the PEX5 protein (p.Arg557Trp). This variant is present in population databases (no rsID available, gnomAD 0.01%). This missense change has been observed in individual(s) with clinical features of PEX5-related conditions (PMID: 18712838, 27290639). ClinVar contains an entry for this variant (Variation ID: 1021033). Advanced modeling of protein sequence and biophysical properties (such as structural, functional, and spatial information, amino acid conservation, physicochemical variation, residue mobility, and thermodynamic stability) performed at Invitae indicates that this missense variant is expected to disrupt PEX5 protein function. Experimental studies have shown that this missense change affects PEX5 function (PMID: 18712838). In summary, the available evidence is currently insufficient to determine the role of this variant in disease. Therefore, it has been classified as a Variant of Uncertain Significance.

GeneDx
Classification: Uncertain significance. Last evaluated: 2021-12-21. Review status: criteria provided, single submitter. Criteria: GeneDx Variant Classification Process June 2021. Collection method: clinical testing. Allele origin: germline. Affected: yes.
Comment: In silico analysis supports that this missense variant has a deleterious effect on protein structure/function; This variant is associated with the following publications: (PMID: 21031596, 27290639, 20146669, 18712838)

Literature cited by the submitters: PubMed 27290639 (cited by Women's Health and Genetics/Laboratory Corporation of America, LabCorp and Labcorp Genetics (formerly Invitae), Labcorp); PubMed 18712838 (cited by Women's Health and Genetics/Laboratory Corporation of America, LabCorp and Labcorp Genetics (formerly Invitae), Labcorp).

NM_001351132.2(PEX5):c.1669C>T (p.Arg557Trp)

Gene: PEX5 (peroxisomal biogenesis factor 5; plus strand). Cytogenetic location: 12p13.31.
Variant type: single nucleotide variant.
Coding change: c.1669C>T on transcript NM_001351132.2 (MANE Select); coding-DNA position 1669, C replaced by T.
Protein change: p.Arg557Trp; replaces arginine 557 with tryptophan.
Molecular consequence: missense variant.
Genome position (GRCh38, 1-based): chr12:7,209,791, C>T. VCF-style: chr12-7209791-C-T. GRCh37 (hg19) VCF-style: chr12-7362387-C-T.
Other names: c.1645C>T, p.Arg549Trp (NM_000319.5); c.1714C>T, p.Arg572Trp (NM_001131023.2); c.1558C>T, p.Arg520Trp (NM_001131024.2, NM_001351124.3, NM_001351126.2 and 7 more transcripts); c.1669C>T, p.Arg557Trp (NM_001131025.2, NM_001131026.2, NM_001300789.3 and 4 more transcripts); c.1603C>T, p.Arg535Trp (NM_001351135.3, NM_001351138.2); c.1660C>T, p.Arg554Trp (NM_001351136.2); c.1534C>T, p.Arg512Trp (NM_001351139.2, NM_001351140.2, NM_001374649.2); short protein forms R512W, R520W, R535W, R549W, R554W, R557W, R572W.
Identifiers: ClinVar variation 1021033 (VCV001021033.6), dbSNP rs1281539463, ClinGen allele CA383738432.